The following is an entry in ClinVar:

NM_006445.4(PRPF8):c.6461A>G (p.His2154Arg)

Gene: PRPF8 (pre-mRNA processing factor 8; minus strand). Cytogenetic location: 17p13.3.
Variant type: single nucleotide variant.
Coding change: c.6461A>G on transcript NM_006445.4 (MANE Select); coding-DNA position 6461, A replaced by G.
Protein change: p.His2154Arg; replaces histidine 2154 with arginine.
Molecular consequence: missense variant.
Genome position (GRCh38, 1-based): chr17:1,651,697, T>C on the plus strand (A>G on the coding strand, the complement: PRPF8 is on the minus strand). VCF-style: chr17-1651697-T-C. GRCh37 (hg19) VCF-style: chr17-1554991-T-C.
Other names: c.6461A>G (NM_006445.3); short protein forms H2154R.
Identifiers: ClinVar variation 1465953 (VCV001465953.7), dbSNP rs1911081044, ClinGen allele CA397565099.

ClinVar aggregate classification (germline): Uncertain significance. Review status: criteria provided, multiple submitters, no conflicts (2 of 4 stars). 2 submissions from 2 submitters: Uncertain significance (2). Last evaluated 2022-11-28.

Allele frequency attached by ClinVar (database versions not stated): gnomAD exomes below 0.00001; TOPMed 0.00001.
gnomAD v4.1: 1 of 1,614,154 alleles (0.000062%); highest among the groups gnomAD compares: Admixed American, 0.0017%; no homozygotes.

Submissions (2):

GeneDx
Classification: Uncertain significance. Last evaluated: 2022-11-28. Review status: criteria provided, single submitter. Criteria: GeneDx Variant Classification Process June 2021. Collection method: clinical testing. Allele origin: germline. Affected: yes.
Comment: Not observed at significant frequency in large population cohorts (gnomAD); In silico analysis supports that this missense variant has a deleterious effect on protein structure/function; Has not been previously published as pathogenic or benign to our knowledge

Labcorp Genetics (formerly Invitae), Labcorp
Classification: Uncertain significance. Last evaluated: 2021-08-22. Review status: criteria provided, single submitter. Criteria: Invitae Variant Classification Sherloc (09022015). Collection method: clinical testing. Allele origin: germline.
Comment: This sequence change replaces histidine with arginine at codon 2154 of the PRPF8 protein (p.His2154Arg). The histidine residue is highly conserved and there is a small physicochemical difference between histidine and arginine. This variant is not present in population databases (ExAC no frequency). This missense change has been observed in individual(s) with clinical features of retinitis pigmentosa (Invitae). Algorithms developed to predict the effect of missense changes on protein structure and function (SIFT, PolyPhen-2, Align-GVGD) all suggest that this variant is likely to be tolerated. In summary, the available evidence is currently insufficient to determine the role of this variant in disease. Therefore, it has been classified as a Variant of Uncertain Significance.